The following is an entry in ClinVar:

ClinVar aggregate classification (germline): Pathogenic/Likely pathogenic. Review status: criteria provided, multiple submitters, no conflicts (2 of 4 stars). 2 submissions from 2 submitters: Pathogenic (1); Likely pathogenic (1). Last evaluated 2025-03-03.

Conditions:
Fanconi anemia (FA). Also called: Fanconi's anemia. Identifiers: Orphanet 84, MedGen C0015625, MeSH D005199, MONDO:0019391.

Allele frequency attached by ClinVar (database versions not stated): TOPMed below 0.00001; gnomAD exomes below 0.00001.

Submissions (2):

Labcorp Genetics (formerly Invitae), Labcorp
Classification: Pathogenic for Fanconi anemia. Last evaluated: 2025-03-03. Review status: criteria provided, single submitter. Criteria: Invitae Variant Classification Sherloc (09022015). Collection method: clinical testing. Allele origin: germline.
Comment: This sequence change creates a premature translational stop signal (p.Lys136Glufs*13) in the FANCM gene. It is expected to result in an absent or disrupted protein product. Loss-of-function variants in FANCM are known to be pathogenic (PMID: 29895858, 30075111). This variant is present in population databases (no rsID available, gnomAD 0.0009%). This variant has not been reported in the literature in individuals affected with FANCM-related conditions. ClinVar contains an entry for this variant (Variation ID: 1699511). For these reasons, this variant has been classified as Pathogenic.

GeneDx
Classification: Likely pathogenic. Last evaluated: 2023-11-09. Review status: criteria provided, single submitter. Criteria: GeneDx Variant Classification Process June 2021. Collection method: clinical testing. Allele origin: germline.
Comment: Frameshift variant predicted to result in protein truncation or nonsense mediated decay in a gene for which loss of function is a known mechanism of disease; Not observed at significant frequency in large population cohorts (gnomAD); Has not been previously published as pathogenic or benign to our knowledge

Literature cited by the submitters: PubMed 29895858 (cited by Labcorp Genetics (formerly Invitae), Labcorp); PubMed 30075111 (cited by Labcorp Genetics (formerly Invitae), Labcorp).

NM_020937.4(FANCM):c.404_405dup (p.Lys136fs)

Gene: FANCM (FA complementation group M; plus strand). Cytogenetic location: 14q21.2.
Variant type: Duplication.
Coding change: c.404_405dup on transcript NM_020937.4 (MANE Select); coding-DNA positions 404 to 405, 2 bases duplicated (GA; older notation c.404_405dupGA).
Protein change: p.Lys136fs; shifts the reading frame from lysine 136.
Molecular consequence: frameshift variant.
Genome position (GRCh38, 1-based): chr14:45,136,435-45,136,436, GA duplicated. VCF-style (leftmost placement, unchanged base first): chr14-45136434-G-GGA. GRCh37 (hg19) VCF-style: chr14-45605637-G-GGA.
Other names: c.404_405dup, p.Lys136fs (NM_001308133.2, NM_001308134.2); short protein forms K136fs.
Identifiers: ClinVar variation 1699511 (VCV001699511.4), dbSNP rs1239999768, ClinGen allele CA614273448.